The following is an entry in ClinVar:

ClinVar aggregate classification (germline): Pathogenic (1 of 4 stars; one submission).

Conditions:
Bardet-Biedl syndrome (BBS). Identifiers: Orphanet 110, MedGen C0752166, MONDO:0015229.

Submission:

Labcorp Genetics (formerly Invitae), Labcorp
Classification: Pathogenic for Bardet-Biedl syndrome. Last evaluated: 2022-11-01. Review status: criteria provided, single submitter. Criteria: Invitae Variant Classification Sherloc (09022015). Collection method: clinical testing. Allele origin: germline.
Comment: For these reasons, this variant has been classified as Pathogenic. This variant disrupts a region of the BBS10 protein in which other variant(s) (p.Val707*) have been determined to be pathogenic (PMID: 22773737, 25982971, 27486776). This suggests that this is a clinically significant region of the protein, and that variants that disrupt it are likely to be disease-causing. ClinVar contains an entry for this variant (Variation ID: 1075020). This variant has not been reported in the literature in individuals affected with BBS10-related conditions. This variant is not present in population databases (gnomAD no frequency). This sequence change creates a premature translational stop signal (p.Ala13Glyfs*83) in the BBS10 gene. While this is not anticipated to result in nonsense mediated decay, it is expected to disrupt the last 711 amino acid(s) of the BBS10 protein.

Literature cited by the submitters: PubMed 22773737; PubMed 25982971; PubMed 27486776.

NM_024685.4(BBS10):c.35dup (p.Ala13fs)

Gene: BBS10 (Bardet-Biedl syndrome 10; minus strand). Cytogenetic location: 12q21.2.
Variant type: Duplication.
Coding change: c.35dup on transcript NM_024685.4 (MANE Select); coding-DNA position 35, one base duplicated (A; older notation c.35dupA).
Protein change: p.Ala13fs; shifts the reading frame from alanine 13.
Molecular consequence: frameshift variant.
Genome position (GRCh38, 1-based): chr12:76,348,324, T duplicated on the plus strand (A on the coding strand, the reverse complement: BBS10 is on the minus strand); the first of 2 consecutive T bases (chr12:76,348,324-76,348,325); duplicating either gives the same sequence. VCF-style (leftmost placement, unchanged base first): chr12-76348323-C-CT. GRCh37 (hg19) VCF-style: chr12-76742103-C-CT.
Other names: short protein forms A13fs.
Identifiers: ClinVar variation 1075020 (VCV001075020.9), dbSNP rs2136091633, ClinGen allele CA2499221851.